The following is an entry in ClinVar:

ClinVar aggregate classification (germline): Uncertain significance (1 of 4 stars; one submission).

Conditions:
Hereditary cancer-predisposing syndrome. Also called: Tumor predisposition; Neoplastic Syndromes, Hereditary; Hereditary Cancer Syndrome; Hereditary neoplastic syndrome. Identifiers: Orphanet 140162, MedGen C0027672, MeSH D009386, MONDO:0015356.

Submission:

Ambry Genetics
Classification: Uncertain significance for Hereditary cancer-predisposing syndrome. Last evaluated: 2025-03-14. Review status: criteria provided, single submitter. Criteria: Ambry Variant Classification Scheme 2023. Collection method: clinical testing. Allele origin: germline.
Comment: The p.I317M variant (also known as c.951C>G), located in coding exon 6 of the PDGFRA gene, results from a C to G substitution at nucleotide position 951. The isoleucine at codon 317 is replaced by methionine, an amino acid with highly similar properties. This amino acid position is conserved. In addition, this alteration is predicted to be tolerated by in silico analysis. Based on the available evidence, the clinical significance of this variant remains unclear.

NM_006206.6(PDGFRA):c.951C>G (p.Ile317Met)

Gene: PDGFRA (platelet derived growth factor receptor alpha; plus strand). Cytogenetic location: 4q12.
Variant type: single nucleotide variant.
Coding change: c.951C>G on transcript NM_006206.6 (MANE Select); coding-DNA position 951, C replaced by G.
Protein change: p.Ile317Met; replaces isoleucine 317 with methionine.
Molecular consequence: missense variant.
Genome position (GRCh38, 1-based): chr4:54,267,571, C>G. VCF-style: chr4-54267571-C-G. GRCh37 (hg19) VCF-style: chr4-55133738-C-G.
Other names: c.951C>G, p.Ile317Met (NM_001347827.2, NM_001347829.2); c.1026C>G, p.Ile342Met (NM_001347828.2); c.990C>G, p.Ile330Met (NM_001347830.2); short protein forms I330M, I342M, I317M.
Identifiers: ClinVar variation 3887377 (VCV003887377.1).